The following is an entry in ClinVar:

ClinVar aggregate classification (germline): Uncertain significance (1 of 4 stars; one submission).

Conditions:
Cardiomyopathy (CMYO). Also called: Cardiomyopathies. Identifiers: Orphanet 167848, MedGen C0878544, MONDO:0004994, HP:0001638. Inheritance: Various modes of inheritance.

Submission:

Color Diagnostics, LLC DBA Color Health
Classification: Uncertain significance for Cardiomyopathy. Last evaluated: 2025-07-28. Review status: criteria provided, single submitter. Criteria: ACMG Guidelines, 2015. Collection method: clinical testing. Allele origin: germline.
Comment: This variant causes an in-frame substitution of five amino acids at codons 529 to 533 with one novel amino acids in the RYR2 protein (p.Ile529_Leu533delinsMet). To our knowledge, functional studies have not been reported for this variant. This variant has not been reported in individuals affected with RYR2-related disorders in the literature. This variant has been identified in 1/31398 chromosomes in the general population by the Genome Aggregation Database (gnomAD). The available evidence is insufficient to determine the role of this variant in disease conclusively. Therefore, this variant is classified as a Variant of Uncertain Significance.

NM_001035.3(RYR2):c.1587_1598del (p.Ile529_Leu533delinsMet)

Gene: RYR2 (ryanodine receptor 2; plus strand). Cytogenetic location: 1q43.
Variant type: Deletion.
Coding change: c.1587_1598del on transcript NM_001035.3 (MANE Select); coding-DNA positions 1587 to 1598, 12 bases deleted (TCTGAATTCTCT).
Protein change: p.Ile529_Leu533delinsMet.
Molecular consequence: inframe indel.
Genome position (GRCh38, 1-based): chr1:237,456,710-237,456,721, TCTGAATTCTCT deleted; deleting any 12 consecutive bases within chr1:237,456,709-237,456,721 gives the same sequence; the c. name uses the placement nearest the transcript's 3' end. VCF-style (leftmost placement, unchanged base first): chr1-237456708-ATTCTGAATTCTC-A. GRCh37 (hg19) VCF-style: chr1-237620008-ATTCTGAATTCTC-A.
Identifiers: ClinVar variation 4759083 (VCV004759083.1).